The following is an entry in ClinVar:

ClinVar aggregate classification (germline): Pathogenic. Review status: criteria provided, multiple submitters, no conflicts (2 of 4 stars). 4 submissions from 4 submitters: Pathogenic (4). Last evaluated 2025-06-12.

Conditions:
Citrullinemia. Identifiers: Orphanet 187, MedGen C0175683, MONDO:0015991.
Citrin deficiency. Identifiers: Orphanet 247582, MedGen C1997910, MONDO:0016602.
Neonatal intrahepatic cholestasis due to citrin deficiency (CDNI). Also called: CITRIN DEFICIENCY, NEONATAL OR INFANTILE ONSET; Neonatal-onset citrullinemia type II; Neonatal-onset citrullinemia type 2; Neonatal Intrahepatic Cholestasis Caused by Citrin Deficiency (NICCD). Identifiers: Orphanet 247598, MedGen C1853942, MONDO:0011601, OMIM 605814.
SLC25A13-related disorder. Also called: SLC25A13-related condition.

Submissions (4):

Natera, Inc.
Classification: Pathogenic for Citrullinemia. Last evaluated: 2025-06-12. Review status: criteria provided, single submitter. Criteria: Natera Variant Classification Schema (03/2026). Collection method: clinical testing. Allele origin: germline.
Comment: The c.1453-1G>A variant in SLC25A13 is a canonical splice acceptor site variant predicted to affect pre-mRNA splicing, which may result in an abnormal transcript and altered protein product. This variant is expected to result in nonsense mediated decay, truncation, or a dysfunctional protein product. This variant is rare in the general population with a frequency below the threshold expected for the associated phenotype(s). This variant has been observed in one or more individuals affected with the associated recessive disease, as either homozygous or compound heterozygous with a second variant (PMID: 33497767). Functional studies show that this variant may disrupt protein function (PMID: 33497767). Given the available evidence, this variant is classified as Pathogenic.

PreventionGenetics, part of Exact Sciences
Classification: Pathogenic for SLC25A13-related condition. Last evaluated: 2022-12-03. Review status: criteria provided, single submitter. Criteria: ACMG Guidelines, 2015. Collection method: clinical testing. Allele origin: germline.
Comment: The SLC25A13 c.1453-1G>A variant is predicted to disrupt the AG splice acceptor site and interfere with normal splicing. This variant has been reported in the compound heterozygous state in an individual with neonatal intrahepatic cholestasis (Lin et al 2021. PubMed ID: 33497767). Functional studies using the minigene assay showed that this variant causes an aberrant transcript leading to a frameshift and premature protein termination (p.Gly485Valfs*22) (Lin et al 2021. PubMed ID: 33497767). This variant has not been reported in a large population database, indicating this variant is rare. Variants that disrupt the consensus splice acceptor site in SLC25A13 are expected to be pathogenic. This variant is interpreted as pathogenic.

Labcorp Genetics (formerly Invitae), Labcorp
Classification: Pathogenic for Citrin deficiency. Last evaluated: 2022-10-28. Review status: criteria provided, single submitter. Criteria: Invitae Variant Classification Sherloc (09022015). Collection method: clinical testing. Allele origin: germline.
Comment: Disruption of this splice site has been observed in individual(s) with clinical features of citrin deficiency (PMID: 33497767). For these reasons, this variant has been classified as Pathogenic. Studies have shown that disruption of this splice site alters mRNA splicing and is expected to lead to the loss of protein expression (PMID: 33497767). ClinVar contains an entry for this variant (Variation ID: 850244). This variant is not present in population databases (gnomAD no frequency). This sequence change affects an acceptor splice site in intron 14 of the SLC25A13 gene. It is expected to disrupt RNA splicing. Variants that disrupt the donor or acceptor splice site typically lead to a loss of protein function (PMID: 16199547), and loss-of-function variants in SLC25A13 are known to be pathogenic (PMID: 10369257, 14680984, 27405544).

Department of Pediatrics, The First Affiliated Hospital, Jinan University
Classification: Pathogenic for Neonatal intrahepatic cholestasis due to citrin deficiency. Last evaluated: 2020-09-01. Review status: criteria provided, single submitter. Criteria: ACMG Guidelines, 2015. Collection method: research. Allele origin: paternal. Affected: yes. Observed: 1 variant allele.

Literature cited by the submitters: PubMed 33497767 (cited by Natera, Inc. and Labcorp Genetics (formerly Invitae), Labcorp); PubMed 16199547 (cited by Labcorp Genetics (formerly Invitae), Labcorp); PubMed 10369257 (cited by Labcorp Genetics (formerly Invitae), Labcorp); PubMed 14680984 (cited by Labcorp Genetics (formerly Invitae), Labcorp); PubMed 27405544 (cited by Labcorp Genetics (formerly Invitae), Labcorp).

NM_014251.3(SLC25A13):c.1453-1G>A

Gene: SLC25A13 (solute carrier family 25 member 13; minus strand). Cytogenetic location: 7q21.3.
Variant type: single nucleotide variant.
Coding change: c.1453-1G>A on transcript NM_014251.3 (MANE Select); the canonical splice acceptor site of the intron before coding-DNA position 1453, G replaced by A.
Molecular consequence: splice acceptor variant.
Genome position (GRCh38, 1-based): chr7:96,131,882, C>T on the plus strand (G>A on the coding strand, the complement: SLC25A13 is on the minus strand). VCF-style: chr7-96131882-C-T. GRCh37 (hg19) VCF-style: chr7-95761194-C-T.
Other names: c.1456-1G>A (NM_001160210.2).
Identifiers: ClinVar variation 850244 (VCV000850244.12), dbSNP rs1792048079, ClinGen allele CA368260032.
Genomic context (GRCh38, chr7:96,131,882, plus strand): 5'-ATAGCACGGAAAGTAGATGGCCGAGAAAGGAATGTCCCGCAGAAAGCATGCTTTGGCACC[C>T]TGCACATTTGCAAAGGAAGAAAAACCACATGAAACACATATCCCATTGAGGAGATCAAGC-3'